The following is an entry in ClinVar:

ClinVar aggregate classification (germline): Uncertain significance (1 of 4 stars; one submission).

Allele frequency attached by ClinVar (database versions not stated): gnomAD exomes below 0.00001; ExAC 0.00002.
gnomAD v4.1: 5 of 1,612,462 alleles (0.00031%); highest among the groups gnomAD compares: Admixed American, 0.0017%; no homozygotes.

Submission:

Labcorp Genetics (formerly Invitae), Labcorp
Classification: Uncertain significance. Last evaluated: 2022-03-27. Review status: criteria provided, single submitter. Criteria: Invitae Variant Classification Sherloc (09022015). Collection method: clinical testing. Allele origin: germline.
Comment: In summary, the available evidence is currently insufficient to determine the role of this variant in disease. Therefore, it has been classified as a Variant of Uncertain Significance. Algorithms developed to predict the effect of missense changes on protein structure and function are either unavailable or do not agree on the potential impact of this missense change (SIFT: "Deleterious"; PolyPhen-2: "Benign"; Align-GVGD: "Class C0"). This variant has not been reported in the literature in individuals affected with TOP2B-related conditions. This variant is present in population databases (rs745682659, gnomAD 0.003%). This sequence change replaces threonine, which is neutral and polar, with alanine, which is neutral and non-polar, at codon 946 of the TOP2B protein (p.Thr946Ala).

NM_001330700.2(TOP2B):c.2851A>G (p.Thr951Ala)

Gene: TOP2B (DNA topoisomerase II beta; minus strand). Cytogenetic location: 3p24.2.
Variant type: single nucleotide variant.
Coding change: c.2851A>G on transcript NM_001330700.2 (MANE Select); coding-DNA position 2851, A replaced by G.
Protein change: p.Thr951Ala; replaces threonine 951 with alanine.
Molecular consequence: missense variant.
Genome position (GRCh38, 1-based): chr3:25,620,693, T>C on the plus strand (A>G on the coding strand, the complement: TOP2B is on the minus strand). VCF-style: chr3-25620693-T-C. GRCh37 (hg19) VCF-style: chr3-25662184-T-C.
Other names: c.2836A>G, p.Thr946Ala (NM_001068.3); short protein forms T951A, T946A.
Identifiers: ClinVar variation 1940949 (VCV001940949.5), dbSNP rs745682659, ClinGen allele CA2288424.